The following is an entry in ClinVar:

NM_001025603.2(RFX5):c.383G>A (p.Arg128His)

Gene: RFX5 (regulatory factor X5; minus strand). Cytogenetic location: 1q21.3.
Variant type: single nucleotide variant.
Coding change: c.383G>A on transcript NM_001025603.2 (MANE Select); coding-DNA position 383, G replaced by A.
Protein change: p.Arg128His; replaces arginine 128 with histidine.
Molecular consequence: missense variant.
Genome position (GRCh38, 1-based): chr1:151,344,507, C>T on the plus strand (G>A on the coding strand, the complement: RFX5 is on the minus strand). VCF-style: chr1-151344507-C-T. GRCh37 (hg19) VCF-style: chr1-151316983-C-T.
Other names: c.383G>A, p.Arg128His (NM_000449.4, NM_001379412.1, NM_001379413.1 and 5 more transcripts); c.263G>A, p.Arg88His (NM_001379419.1, NM_001379420.1); c.383G>A (NM_000449.3); short protein forms R128H, R88H.
Identifiers: ClinVar variation 1417476 (VCV001417476.7), dbSNP rs377555466, ClinGen allele CA1089843.

ClinVar aggregate classification (germline): Uncertain significance. Review status: criteria provided, multiple submitters, no conflicts (2 of 4 stars). 2 submissions from 2 submitters: Uncertain significance (2). Last evaluated 2023-07-19.

Conditions:
MHC class II deficiency. Also called: BLS, TYPE II; Bare lymphocyte syndrome 2. Identifiers: Orphanet 572, MedGen C5447452, MONDO:0008855.

Allele frequency attached by ClinVar (database versions not stated): ExAC 0.00001; gnomAD exomes 0.00001 and 0.00004; gnomAD 0.00003 and 0.00004; TOPMed 0.00005; ESP Exome Variant Server 0.00008.

Submissions (2):

Ambry Genetics
Classification: Uncertain significance. Last evaluated: 2023-07-19. Review status: criteria provided, single submitter. Criteria: Ambry Variant Classification Scheme 2023. Collection method: clinical testing. Allele origin: germline.

Labcorp Genetics (formerly Invitae), Labcorp
Classification: Uncertain significance for MHC class II deficiency. Last evaluated: 2022-06-27. Review status: criteria provided, single submitter. Criteria: Invitae Variant Classification Sherloc (09022015). Collection method: clinical testing. Allele origin: germline.
Comment: This sequence change replaces arginine, which is basic and polar, with histidine, which is basic and polar, at codon 128 of the RFX5 protein (p.Arg128His). In summary, the available evidence is currently insufficient to determine the role of this variant in disease. Therefore, it has been classified as a Variant of Uncertain Significance. Algorithms developed to predict the effect of missense changes on protein structure and function are either unavailable or do not agree on the potential impact of this missense change (SIFT: "Deleterious"; PolyPhen-2: "Possibly Damaging"; Align-GVGD: "Class C0"). This variant has not been reported in the literature in individuals affected with RFX5-related conditions. This variant is present in population databases (rs377555466, gnomAD 0.003%).